The following is an entry in ClinVar:

NM_024675.4(PALB2):c.2179G>C (p.Ala727Pro)

Gene: PALB2 (partner and localizer of BRCA2; minus strand). Cytogenetic location: 16p12.2.
Variant type: single nucleotide variant.
Coding change: c.2179G>C on transcript NM_024675.4 (MANE Select); coding-DNA position 2179, G replaced by C.
Protein change: p.Ala727Pro; replaces alanine 727 with proline.
Molecular consequence: missense variant.
Genome position (GRCh38, 1-based): chr16:23,629,975, C>G on the plus strand (G>C on the coding strand, the complement: PALB2 is on the minus strand). VCF-style: chr16-23629975-C-G. GRCh37 (hg19) VCF-style: chr16-23641296-C-G.
Other names: short protein forms A727P.
Identifiers: ClinVar variation 484185 (VCV000484185.5), dbSNP rs1555460459, ClinGen allele CA395125635.
Genomic context (GRCh38, chr16:23,629,975, plus strand): 5'-ATGCTTTTTCATAGGAGCCTTGAGGGCCAAAGGCTGGAGTAGTACCTAAGATGGGGAAAG[C>G]AGGTGAACACATGTCTGTGGTAGGCCTGTCATTATCATCAGGCGCAACCGTATTTAAAGG-3'
Protein context (NP_078951.2, residues 717-737): DRPTTDMCSP[Ala727Pro]FPILGTTPAF

ClinVar aggregate classification (germline): Uncertain significance (1 of 4 stars; one submission).

Conditions:
Hereditary cancer-predisposing syndrome. Also called: Neoplastic Syndromes, Hereditary; Tumor predisposition; Hereditary Cancer Syndrome; Hereditary neoplastic syndrome. Identifiers: Orphanet 140162, MedGen C0027672, MeSH D009386, MONDO:0015356.

Submission:

Ambry Genetics
Classification: Uncertain significance for Hereditary cancer-predisposing syndrome. Last evaluated: 2016-04-19. Review status: criteria provided, single submitter. Criteria: Ambry Variant Classification Scheme 2023. Collection method: clinical testing. Allele origin: germline.
Comment: The p.A727P variant (also known as c.2179G>C), located in coding exon 5 of the PALB2 gene, results from a G to C substitution at nucleotide position 2179. The alanine at codon 727 is replaced by proline, an amino acid with highly similar properties. This variant was not reported in population based cohorts in the following databases: Database of Single Nucleotide Polymorphisms (dbSNP), NHLBI Exome Sequencing Project (ESP), and 1000 Genomes Project. In the ESP, this variant was not observed in 6497 samples (12994 alleles) with coverage at this position. To date, this alteration has been detected with an allele frequency of approximately 0.001% (greater than 130000 alleles tested) in our clinical cohort. This amino acid position is poorly conserved in available vertebrate species. In addition, this alteration is predicted to be tolerated by in silico analysis. Since supporting evidence is limited at this time, the clinical significance of this alteration remains unclear.